The following is an entry in ClinVar:

NM_015896.4(ZMYND10):c.461G>A (p.Cys154Tyr)

Gene: ZMYND10 (zinc finger MYND-type containing 10; minus strand). Cytogenetic location: 3p21.31.
Variant type: single nucleotide variant.
Coding change: c.461G>A on transcript NM_015896.4 (MANE Select); coding-DNA position 461, G replaced by A.
Protein change: p.Cys154Tyr; replaces cysteine 154 with tyrosine.
Molecular consequence: missense variant.
Genome position (GRCh38, 1-based): chr3:50,343,356, C>T on the plus strand (G>A on the coding strand, the complement: ZMYND10 is on the minus strand). VCF-style: chr3-50343356-C-T. GRCh37 (hg19) VCF-style: chr3-50380787-C-T.
Other names: c.461G>A, p.Cys154Tyr (NM_001308379.2); c.461G>A (NM_015896.2); short protein forms C154Y.
Identifiers: ClinVar variation 2065435 (VCV002065435.6), dbSNP rs587704784, ClinGen allele CA2417211.
Genomic context (GRCh38, chr3:50,343,356, plus strand): 5'-CCTCAACCCACCTGCATGGGGTTGCTGTCCTGGGATCCCTCCCCCTCAGGGGGGCCACCA[C>T]AGCCACTCTGGGCCACCAGCAGGGTCAGTTTGCGGTGGCAATAGTCTACCAAGTCCAAGA-3'
Protein context (NP_056980.2, residues 144-164): KLTLLVAQSG[Cys154Tyr]GGPPEGEGSQ

ClinVar aggregate classification (germline): Uncertain significance. Review status: criteria provided, multiple submitters, no conflicts (2 of 4 stars). 2 submissions from 2 submitters: Uncertain significance (2). Last evaluated 2023-01-06.

Conditions:
Inborn genetic diseases. Identifiers: MedGen C0950123, MeSH D030342.
Primary ciliary dyskinesia. Also called: Ciliary dyskinesia. Identifiers: Orphanet 244, MedGen C0008780, MONDO:0016575, HP:0012265.

Allele frequency attached by ClinVar (database versions not stated): gnomAD exomes 0.00001; ExAC 0.00002; gnomAD 0.00004; TOPMed 0.00007; 1000 Genomes Project 30x 0.00016; 1000 Genomes Project 0.00020.
gnomAD v4.1: 15 of 1,613,470 alleles (0.00093%); highest among the groups gnomAD compares: African/African-American, 0.017%; no homozygotes.

Submissions (2):

Ambry Genetics
Classification: Uncertain significance for Inborn genetic diseases. Last evaluated: 2023-01-06. Review status: criteria provided, single submitter. Criteria: Ambry Variant Classification Scheme 2023. Collection method: clinical testing. Allele origin: germline.

Labcorp Genetics (formerly Invitae), Labcorp
Classification: Uncertain significance for Primary ciliary dyskinesia. Last evaluated: 2022-05-05. Review status: criteria provided, single submitter. Criteria: Invitae Variant Classification Sherloc (09022015). Collection method: clinical testing. Allele origin: germline.
Comment: This sequence change replaces cysteine, which is neutral and slightly polar, with tyrosine, which is neutral and polar, at codon 154 of the ZMYND10 protein (p.Cys154Tyr). This variant is present in population databases (rs587704784, gnomAD 0.02%). This variant has not been reported in the literature in individuals affected with ZMYND10-related conditions. Algorithms developed to predict the effect of missense changes on protein structure and function (SIFT, PolyPhen-2, Align-GVGD) all suggest that this variant is likely to be tolerated. In summary, the available evidence is currently insufficient to determine the role of this variant in disease. Therefore, it has been classified as a Variant of Uncertain Significance.